The following is an entry in ClinVar:

ClinVar aggregate classification (germline): Benign. Review status: criteria provided, multiple submitters, no conflicts (2 of 4 stars). 7 submissions from 7 submitters: Benign (7). Last evaluated 2026-02-04.

Conditions:
Tumoral calcinosis, hyperphosphatemic, familial, 3. Identifiers: MedGen C4693864, MONDO:0060715, OMIM 617994.

Allele frequency attached by ClinVar (database versions not stated): ESP Exome Variant Server 0.76895; ExAC 0.80360; gnomAD exomes 0.80846 and 0.84003; 1000 Genomes Project 30x 0.70612; 1000 Genomes Project 0.71086; TOPMed 0.75503; gnomAD 0.76534 and 0.76595.
gnomAD v4.1: 1,343,674 of 1,613,948 alleles (83%); highest among the groups gnomAD compares: Non-Finnish European, 86%; 563,754 homozygotes.

Submissions (7):

Labcorp Genetics (formerly Invitae), Labcorp
Classification: Benign. Last evaluated: 2026-02-04. Review status: criteria provided, single submitter. Criteria: Invitae Variant Classification Sherloc (09022015). Collection method: clinical testing. Allele origin: germline.

Blueprint Genetics
Classification: Benign. Last evaluated: 2024-11-27. Review status: criteria provided, single submitter. Criteria: ACMG Guidelines, 2015. Collection method: clinical testing. Allele origin: germline.

Mayo Clinic Laboratories, Mayo Clinic
Classification: Benign. Last evaluated: 2022-03-09. Review status: criteria provided, single submitter. Criteria: ACMG Guidelines, 2015. Collection method: clinical testing. Allele origin: germline. Observed: 170 variant alleles.

Genome-Nilou Lab
Classification: Benign for Tumoral calcinosis, hyperphosphatemic, familial, 3. Last evaluated: 2021-08-19. Review status: criteria provided, single submitter. Criteria: ACMG Guidelines, 2015. Collection method: clinical testing. Allele origin: germline. Affected: no.

GeneDx
Classification: Benign. Last evaluated: 2018-11-12. Review status: criteria provided, single submitter. Criteria: GeneDx Variant Classification Process June 2021. Collection method: clinical testing. Allele origin: germline. Affected: yes.

Illumina Laboratory Services, Illumina
Classification: Benign for Tumoral calcinosis, hyperphosphatemic, familial, 3. Last evaluated: 2018-01-12. Review status: criteria provided, single submitter. Criteria: ICSL Variant Classification Criteria 13 December 2019. Collection method: clinical testing. Allele origin: germline.
Comment: This variant was observed in the ICSL laboratory as part of a predisposition screen in an ostensibly healthy population. It had not been previously curated by ICSL or reported in the Human Gene Mutation Database (HGMD: prior to June 1st, 2018), and was therefore a candidate for classification through an automated scoring system. Utilizing variant allele frequency, disease prevalence and penetrance estimates, and inheritance mode, an automated score was calculated to assess if this variant is too frequent to cause the disease. Based on the score and internal cut-off values, a variant classified as benign is not then subjected to further curation. The score for this variant resulted in a classification of benign for this disease.

Breakthrough Genomics
Classification: Benign. Review status: criteria provided, single submitter. Criteria: ACMG Guidelines, 2015. Collection method: not provided. Allele origin: germline. Inheritance: Autosomal recessive inheritance. Affected: yes.

NM_004795.4(KL):c.2247T>C (p.Ala749=)

Gene: KL (klotho; plus strand). Cytogenetic location: 13q13.1.
Variant type: single nucleotide variant.
Coding change: c.2247T>C on transcript NM_004795.4 (MANE Select); coding-DNA position 2247, T replaced by C.
Protein change: p.Ala749=; no amino-acid change (alanine 749 retained).
Molecular consequence: synonymous variant.
Genome position (GRCh38, 1-based): chr13:33,061,326, T>C. VCF-style: chr13-33061326-T-C. GRCh37 (hg19) VCF-style: chr13-33635463-T-C.
Other names: p.Ala749=.
Identifiers: ClinVar variation 311701 (VCV000311701.19), dbSNP rs648202, ClinGen allele CA6944273.